The following is an entry in ClinVar:

NM_001844.5(COL2A1):c.3278C>T (p.Ala1093Val)

Gene: COL2A1 (collagen type II alpha 1 chain; minus strand). Cytogenetic location: 12q13.11.
Variant type: single nucleotide variant.
Coding change: c.3278C>T on transcript NM_001844.5 (MANE Select); coding-DNA position 3278, C replaced by T.
Protein change: p.Ala1093Val; replaces alanine 1093 with valine.
Molecular consequence: missense variant.
Genome position (GRCh38, 1-based): chr12:47,977,151, G>A on the plus strand (C>T on the coding strand, the complement: COL2A1 is on the minus strand). VCF-style: chr12-47977151-G-A. GRCh37 (hg19) VCF-style: chr12-48370934-G-A.
Other names: c.3278C>T (NM_001844.4); c.3071C>T, p.Ala1024Val (NM_033150.3); short protein forms A1024V, A1093V.
Identifiers: ClinVar variation 1390548 (VCV001390548.7), dbSNP rs2136520107, ClinGen allele CA384539791.

ClinVar aggregate classification (germline): Uncertain significance. Review status: criteria provided, multiple submitters, no conflicts (2 of 4 stars). 2 submissions from 2 submitters: Uncertain significance (2). Last evaluated 2024-06-19.

Conditions:
Inborn genetic diseases. Identifiers: MedGen C0950123, MeSH D030342.

gnomAD v4.1: 1 of 1,611,034 alleles (0.000062%); highest among the groups gnomAD compares: Non-Finnish European, 0.000085%; no homozygotes.

Submissions (2):

Labcorp Genetics (formerly Invitae), Labcorp
Classification: Uncertain significance. Last evaluated: 2024-06-19. Review status: criteria provided, single submitter. Criteria: Invitae Variant Classification Sherloc (09022015). Collection method: clinical testing. Allele origin: germline.
Comment: This sequence change replaces alanine, which is neutral and non-polar, with valine, which is neutral and non-polar, at codon 1093 of the COL2A1 protein (p.Ala1093Val). This variant is not present in population databases (gnomAD no frequency). This variant has not been reported in the literature in individuals affected with COL2A1-related conditions. ClinVar contains an entry for this variant (Variation ID: 1390548). Advanced modeling of protein sequence and biophysical properties (such as structural, functional, and spatial information, amino acid conservation, physicochemical variation, residue mobility, and thermodynamic stability) performed at Invitae indicates that this missense variant is not expected to disrupt COL2A1 protein function with a negative predictive value of 80%. In summary, the available evidence is currently insufficient to determine the role of this variant in disease. Therefore, it has been classified as a Variant of Uncertain Significance.

Ambry Genetics
Classification: Uncertain significance for Inborn genetic diseases. Last evaluated: 2024-03-31. Review status: criteria provided, single submitter. Criteria: Ambry Variant Classification Scheme 2023. Collection method: clinical testing. Allele origin: germline.